The following is an entry in ClinVar:

ClinVar aggregate classification (germline): Uncertain significance. Review status: criteria provided, multiple submitters, no conflicts (2 of 4 stars). 2 submissions from 2 submitters: Uncertain significance (2). Last evaluated 2026-02-17.

Conditions:
LAMC2-related disorder. Also called: LAMC2-related condition.
Inborn genetic diseases. Identifiers: MedGen C0950123, MeSH D030342.

gnomAD v4.1: 43 of 1,613,836 alleles (0.0027%); highest among the groups gnomAD compares: Middle Eastern, 0.017%; no homozygotes.

Submissions (2):

Ambry Genetics
Classification: Uncertain significance for Inborn genetic diseases. Last evaluated: 2026-02-17. Review status: criteria provided, single submitter. Criteria: Ambry Variant Classification Scheme 2023. Collection method: clinical testing. Allele origin: germline.

PreventionGenetics, part of Exact Sciences
Classification: Uncertain significance for LAMC2-related condition. Last evaluated: 2024-10-23. Review status: criteria provided, single submitter. Criteria: ACMG Guidelines, 2015. Collection method: clinical testing. Allele origin: germline.
Comment: The LAMC2 c.509G>A variant is predicted to result in the amino acid substitution p.Arg170Gln. To our knowledge, this variant has not been reported in the literature. This variant is reported in 0.0026% of alleles in individuals of European (Non-Finnish) descent in gnomAD. At this time, the clinical significance of this variant is uncertain due to the absence of conclusive functional and genetic evidence.

NM_005562.3(LAMC2):c.509G>A (p.Arg170Gln)

Gene: LAMC2 (laminin subunit gamma 2; plus strand). Cytogenetic location: 1q25.3.
Variant type: single nucleotide variant.
Coding change: c.509G>A on transcript NM_005562.3 (MANE Select); coding-DNA position 509, G replaced by A.
Protein change: p.Arg170Gln; replaces arginine 170 with glutamine.
Molecular consequence: missense variant.
Genome position (GRCh38, 1-based): chr1:183,220,830, G>A. VCF-style: chr1-183220830-G-A. GRCh37 (hg19) VCF-style: chr1-183189965-G-A.
Other names: c.509G>A, p.Arg170Gln (NM_018891.3); short protein forms R170Q.
Identifiers: ClinVar variation 2289293 (VCV002289293.4), dbSNP rs141806165, ClinGen allele CA1282360.